The following is an entry in ClinVar:

NM_000256.3(MYBPC3):c.2068-14T>A

Gene: MYBPC3 (myosin binding protein C3; minus strand). Cytogenetic location: 11p11.2.
Variant type: single nucleotide variant.
Coding change: c.2068-14T>A on transcript NM_000256.3 (MANE Select); 14 bases into the intron before coding-DNA position 2068, T replaced by A.
Molecular consequence: intron variant.
Genome position (GRCh38, 1-based): chr11:47,339,418, A>T on the plus strand (T>A on the coding strand, the complement: MYBPC3 is on the minus strand). VCF-style: chr11-47339418-A-T. GRCh37 (hg19) VCF-style: chr11-47360969-A-T.
Identifiers: ClinVar variation 3070414 (VCV003070414.1), dbSNP rs2495755119, ClinGen allele CA2825002008.

ClinVar aggregate classification (germline): Uncertain significance (1 of 4 stars; one submission).

Conditions:
Hypertrophic cardiomyopathy. Also called: HYPERTROPHIC MYOCARDIOPATHY. Identifiers: Orphanet 217569, MedGen C0007194, MeSH D002312, MONDO:0005045, HP:0001639.

Submission:

All of Us Research Program, National Institutes of Health
Classification: Uncertain significance for Hypertrophic cardiomyopathy. Last evaluated: 2023-04-10. Review status: criteria provided, single submitter. Criteria: ACMG Guidelines, 2015. Collection method: clinical testing. Allele origin: germline. Inheritance: Autosomal dominant inheritance. Observed: 1 variant allele, 1 heterozygote.
Comment: This variant causes a T to A nucleotide substitution at the -14 position of intron 21 of the MYBPC3 gene. Splice site prediction tools predict that this variant may have a significant impact on RNA splicing. To our knowledge, functional studies have not been reported for this variant. This variant has not been reported in individuals affected with MYBPC3-related disorders in the literature. This variant has not been identified in the general population by the Genome Aggregation Database (gnomAD). The available evidence is insufficient to determine the role of this variant in disease conclusively. Therefore, this variant is classified as a Variant of Uncertain Significance.

This study involves interpretation of variants in research participants for the purpose of population health screening. Participant phenotype was not available at the time of variant classification. Additional details can be found in publication PMID: 35346344, PMCID: PMC8962531